The following is an entry in ClinVar:

NM_004371.4(COPA):c.3380G>A (p.Arg1127His)

Gene: COPA (coat protein complex I subunit alpha; minus strand). Cytogenetic location: 1q23.2.
Variant type: single nucleotide variant.
Coding change: c.3380G>A on transcript NM_004371.4 (MANE Select); coding-DNA position 3380, G replaced by A.
Protein change: p.Arg1127His; replaces arginine 1127 with histidine.
Molecular consequence: missense variant.
Genome position (GRCh38, 1-based): chr1:160,291,375, C>T on the plus strand (G>A on the coding strand, the complement: COPA is on the minus strand). VCF-style: chr1-160291375-C-T. GRCh37 (hg19) VCF-style: chr1-160261165-C-T.
Other names: c.3407G>A, p.Arg1136His (NM_001098398.2); c.3380G>A, p.Arg1127His (LRG_1336t1); short protein forms R1127H, R1136H.
Identifiers: ClinVar variation 636684 (VCV000636684.11), dbSNP rs776528615, ClinGen allele CA1197639.

ClinVar aggregate classification (germline): Uncertain significance. Review status: criteria provided, multiple submitters, no conflicts (2 of 4 stars). 2 submissions from 2 submitters: Uncertain significance (2). Last evaluated 2026-01-18.

Conditions:
Autoimmune interstitial lung disease-arthritis syndrome. Also called: Autoinflammation and autoimmunity, systemic, with immune dysregulation. Identifiers: Orphanet 444092, MedGen C5975714, MONDO:0014629.

Allele frequency attached by ClinVar (database versions not stated): gnomAD 0.00001; ExAC 0.00002; gnomAD exomes 0.00002 and 0.00004; TOPMed 0.00002.
gnomAD v4.1: 53 of 1,613,784 alleles (0.0033%); highest among the groups gnomAD compares: Non-Finnish European, 0.0042%; no homozygotes.

Submissions (2):

Labcorp Genetics (formerly Invitae), Labcorp
Classification: Uncertain significance for Autoimmune interstitial lung disease-arthritis syndrome. Last evaluated: 2026-01-18. Review status: criteria provided, single submitter. Criteria: Invitae Variant Classification Sherloc (09022015). Collection method: clinical testing. Allele origin: germline.
Comment: This sequence change replaces arginine, which is basic and polar, with histidine, which is basic and polar, at codon 1127 of the COPA protein (p.Arg1127His). This variant is present in population databases (rs776528615, gnomAD 0.004%). This variant has not been reported in the literature in individuals affected with COPA-related conditions. ClinVar contains an entry for this variant (Variation ID: 636684). Invitae Evidence Modeling of protein sequence and biophysical properties (such as structural, functional, and spatial information, amino acid conservation, physicochemical variation, residue mobility, and thermodynamic stability) indicates that this missense variant is expected to disrupt COPA protein function with a positive predictive value of 80%. In summary, the available evidence is currently insufficient to determine the role of this variant in disease. Therefore, it has been classified as a Variant of Uncertain Significance.

Blueprint Genetics
Classification: Uncertain significance. Last evaluated: 2024-06-10. Review status: criteria provided, single submitter. Criteria: ACMG Guidelines, 2015. Collection method: clinical testing. Allele origin: germline.